The following is an entry in ClinVar:

NM_020937.4(FANCM):c.4951G>A (p.Glu1651Lys)

Gene: FANCM (FA complementation group M; plus strand). Cytogenetic location: 14q21.2.
Variant type: single nucleotide variant.
Coding change: c.4951G>A on transcript NM_020937.4 (MANE Select); coding-DNA position 4951, G replaced by A.
Protein change: p.Glu1651Lys; replaces glutamic acid 1651 with lysine.
Molecular consequence: missense variant.
Genome position (GRCh38, 1-based): chr14:45,188,973, G>A. VCF-style: chr14-45188973-G-A. GRCh37 (hg19) VCF-style: chr14-45658176-G-A.
Other names: c.4951G>A (LRG_502t1); c.4873G>A, p.Glu1625Lys (NM_001308133.2); short protein forms E1651K, E1625K.
Identifiers: ClinVar variation 456273 (VCV000456273.3), dbSNP rs752279370, ClinGen allele CA7169882.
Genomic context (GRCh38, chr14:45,188,973, plus strand): 5'-ACTGATGATTGCTTTGCAAATAGTAAAAAGTATAAAACTCGACGTGCAGTAATGCTAAAA[G>A]AAATGATGGAACAAAATTGTGCACATTCAAAAAAGAAATTATCCAGAATTATTTTACCAG-3'
Protein context (NP_065988.1, residues 1641-1661): YKTRRAVMLK[Glu1651Lys]MMEQNCAHSK

ClinVar aggregate classification (germline): Uncertain significance. Review status: criteria provided, multiple submitters, no conflicts (2 of 4 stars). 2 submissions from 2 submitters: Uncertain significance (2). Last evaluated 2023-09-30.

Conditions:
Fanconi anemia (FA). Also called: Fanconi's anemia. Identifiers: Orphanet 84, MedGen C0015625, MeSH D005199, MONDO:0019391.

Allele frequency attached by ClinVar (database versions not stated): gnomAD 0.00001; gnomAD exomes 0.00001 and 0.00002; TOPMed 0.00001; ExAC 0.00002.
gnomAD v4.1: 5 of 1,613,862 alleles (0.00031%); highest among the groups gnomAD compares: Non-Finnish European, 0.00042%; no homozygotes.

Submissions (2):

Labcorp Genetics (formerly Invitae), Labcorp
Classification: Uncertain significance for Fanconi anemia. Last evaluated: 2023-09-30. Review status: criteria provided, single submitter. Criteria: Invitae Variant Classification Sherloc (09022015). Collection method: clinical testing. Allele origin: germline.
Comment: This variant is present in population databases (rs752279370, gnomAD 0.003%). This sequence change replaces glutamic acid, which is acidic and polar, with lysine, which is basic and polar, at codon 1651 of the FANCM protein (p.Glu1651Lys). This variant has not been reported in the literature in individuals affected with FANCM-related conditions. ClinVar contains an entry for this variant (Variation ID: 456273). An algorithm developed to predict the effect of missense changes on protein structure and function (PolyPhen-2) suggests that this variant¬¨‚Ä†is likely to be tolerated. In summary, the available evidence is currently insufficient to determine the role of this variant in disease. Therefore, it has been classified as a Variant of Uncertain Significance.

GeneDx
Classification: Uncertain significance. Last evaluated: 2023-05-09. Review status: criteria provided, single submitter. Criteria: GeneDx Variant Classification Process June 2021. Collection method: clinical testing. Allele origin: germline. Affected: yes.
Comment: Not observed at significant frequency in large population cohorts (gnomAD); In silico analysis supports that this missense variant does not alter protein structure/function; Has not been previously published as pathogenic or benign to our knowledge